The following is an entry in ClinVar:

ClinVar aggregate classification (germline): Uncertain significance. Review status: criteria provided, multiple submitters, no conflicts (2 of 4 stars). 2 submissions from 2 submitters: Uncertain significance (2). Last evaluated 2024-10-22.

Conditions:
Hereditary cancer-predisposing syndrome. Also called: Neoplastic Syndromes, Hereditary; Tumor predisposition; Hereditary neoplastic syndrome; Hereditary Cancer Syndrome. Identifiers: Orphanet 140162, MedGen C0027672, MeSH D009386, MONDO:0015356.

Submissions (2):

Labcorp Genetics (formerly Invitae), Labcorp
Classification: Uncertain significance. Last evaluated: 2024-10-22. Review status: criteria provided, single submitter. Criteria: Invitae Variant Classification Sherloc (09022015). Collection method: clinical testing. Allele origin: germline.
Comment: This sequence change replaces valine, which is neutral and non-polar, with alanine, which is neutral and non-polar, at codon 599 of the POLE protein (p.Val599Ala). This variant is not present in population databases (gnomAD no frequency). This variant has not been reported in the literature in individuals affected with POLE-related conditions. An algorithm developed to predict the effect of missense changes on protein structure and function (PolyPhen-2) suggests that this variant is likely to be tolerated. In summary, the available evidence is currently insufficient to determine the role of this variant in disease. Therefore, it has been classified as a Variant of Uncertain Significance.

Ambry Genetics
Classification: Uncertain significance for Hereditary cancer-predisposing syndrome. Last evaluated: 2023-11-21. Review status: criteria provided, single submitter. Criteria: Ambry Variant Classification Scheme 2023. Collection method: clinical testing. Allele origin: germline.
Comment: The p.V599A variant (also known as c.1796T>C), located in coding exon 17 of the POLE gene, results from a T to C substitution at nucleotide position 1796. The valine at codon 599 is replaced by alanine, an amino acid with similar properties. This amino acid position is conserved. In addition, the in silico prediction for this alteration is inconclusive. Since supporting evidence is limited at this time, the clinical significance of this alteration remains unclear.

NM_006231.4(POLE):c.1796T>C (p.Val599Ala)

Gene: POLE (DNA polymerase epsilon, catalytic subunit; minus strand). Cytogenetic location: 12q24.33.
Variant type: single nucleotide variant.
Coding change: c.1796T>C on transcript NM_006231.4 (MANE Select); coding-DNA position 1796, T replaced by C.
Protein change: p.Val599Ala; replaces valine 599 with alanine.
Molecular consequence: missense variant.
Genome position (GRCh38, 1-based): chr12:132,668,938, A>G on the plus strand (T>C on the coding strand, the complement: POLE is on the minus strand). VCF-style: chr12-132668938-A-G. GRCh37 (hg19) VCF-style: chr12-133245524-A-G.
Other names: short protein forms V599A.
Identifiers: ClinVar variation 3225402 (VCV003225402.3), dbSNP rs2542105542, ClinGen allele CA387355650.
Genomic context (GRCh38, chr12:132,668,938, plus strand): 5'-CACTCGATGCGGCTGGGAACGTCCTTCAGGGAGGCAAGCTTGCTCTTAATCTCATCACAC[A>G]CCTGCAGAGAAAGCGAAACTCAGTAGAGGCTGGTGACCAAGCTTGCCTCGTGTGCAGTTC-3'
Protein context (NP_006222.2, residues 589-609): PVEQVTNFEE[Val599Ala]CDEIKSKLAS